The following is an entry in ClinVar:

NM_000152.5(GAA):c.917C>A (p.Ser306Ter)

Gene: GAA (alpha glucosidase; plus strand). Cytogenetic location: 17q25.3.
Variant type: single nucleotide variant.
Coding change: c.917C>A on transcript NM_000152.5 (MANE Select); coding-DNA position 917, C replaced by A.
Protein change: p.Ser306Ter; replaces serine 306 with a stop codon.
Molecular consequence: nonsense.
Genome position (GRCh38, 1-based): chr17:80,107,858, C>A. VCF-style: chr17-80107858-C-A. GRCh37 (hg19) VCF-style: chr17-78081657-C-A.
Other names: c.917C>A, p.Ser306Ter (NM_001079803.3, NM_001079804.3); short protein forms S306*.
Identifiers: ClinVar variation 983720 (VCV000983720.3), dbSNP rs138097673, ClinGen allele CA401364041.
Genomic context (GRCh38, chr17:80,107,858, plus strand): 5'-AGCCCGGTGCGAACCTCTACGGGTCTCACCCTTTCTACCTGGCGCTGGAGGACGGCGGGT[C>A]GGCACACGGGGTGTTCCTGCTAAACAGCAATGCCATGGGTAAGCTGCCCGCCGCCCAGCG-3'

ClinVar aggregate classification (germline): Likely pathogenic (1 of 4 stars; one submission).

Conditions:
Glycogen storage disease, type II (IOPD). Also called: CARDIOMEGALIA GLYCOGENICA DIFFUSA; GLYCOGENOSIS, GENERALIZED, CARDIAC FORM; GSD II; POMPE DISEASE, INFANTILE-ONSET; GLYCOGEN STORAGE DISEASE II, INFANTILE-ONSET; ACID ALPHA-GLUCOSIDASE DEFICIENCY, INFANTILE-ONSET. Identifiers: Orphanet 365, MedGen C0017921, MONDO:0009290, OMIM 232300.

Submission:

Myriad Genetics, Inc.
Classification: Likely pathogenic for Glycogen storage disease, type II. Last evaluated: 2019-12-28. Review status: criteria provided, single submitter. Criteria: Myriad Women's Health Autosomal Recessive and X-Linked Classification Criteria (2019). Collection method: clinical testing. Allele origin: unknown.
Comment: NM_000152.3(GAA):c.917C>A(S306*) is expected to be pathogenic in the context of Pompe disease. This variant is predicted to lead to an abnormal or absent protein product due to the creation of a premature termination codon in GAA, a gene where loss-of-function variants are known to be pathogenic. Please note: this variant was assessed in the context of healthy population screening.